The following is an entry in ClinVar:

NM_012092.4(ICOS):c.597A>G (p.Leu199=)

Gene: ICOS (inducible T cell costimulator; plus strand). Cytogenetic location: 2q33.2.
Variant type: single nucleotide variant.
Coding change: c.597A>G on transcript NM_012092.4 (MANE Select); coding-DNA position 597, A replaced by G.
Protein change: p.Leu199=; no amino-acid change (leucine 199 retained).
Molecular consequence: synonymous variant.
Genome position (GRCh38, 1-based): chr2:203,959,596, A>G. VCF-style: chr2-203959596-A-G. GRCh37 (hg19) VCF-style: chr2-204824319-A-G.
Identifiers: ClinVar variation 333738 (VCV000333738.40), dbSNP rs145698501, ClinGen allele CA2067351.

ClinVar aggregate classification (germline): Conflicting classifications of pathogenicity. Review status: criteria provided, conflicting classifications (1 of 4 stars). 5 submissions from 5 submitters: Uncertain significance (1); Likely benign (3). 1 of the submissions does not count toward it. Last evaluated 2025-12-08.

Conditions:
Immunodeficiency, common variable, 1. Also called: ANTIBODY DEFICIENCY DUE TO ICOS DEFECT. Identifiers: Orphanet 1572, Orphanet 695183, MedGen C3149378, MONDO:0011864, OMIM 607594.
ICOS-related disorder. Also called: ICOS-related condition.

Allele frequency attached by ClinVar (database versions not stated): ExAC 0.00007; TOPMed 0.00008; gnomAD exomes 0.00010 and 0.00023; gnomAD 0.00011; ESP Exome Variant Server 0.00015.
gnomAD v4.1: 348 of 1,613,160 alleles (0.022%); highest among the groups gnomAD compares: Non-Finnish European, 0.028%; no homozygotes.

Submissions (5):

Labcorp Genetics (formerly Invitae), Labcorp
Classification: Likely benign for Immunodeficiency, common variable, 1. Last evaluated: 2025-12-08. Review status: criteria provided, single submitter. Criteria: Invitae Variant Classification Sherloc (09022015). Collection method: clinical testing. Allele origin: germline.

Blueprint Genetics
Classification: Likely benign. Last evaluated: 2023-08-24. Review status: criteria provided, single submitter. Criteria: ACMG Guidelines, 2015. Collection method: clinical testing. Allele origin: germline.

CeGaT Center for Human Genetics Tuebingen
Classification: Likely benign. Last evaluated: 2023-07-01. Review status: criteria provided, single submitter. Criteria: CeGaT Center For Human Genetics Tuebingen Variant Classification Criteria Version 2. Collection method: clinical testing. Allele origin: germline. Affected: yes. Observed: 1 variant allele.
Comment: ICOS: BP4, BP7

Illumina Laboratory Services, Illumina
Classification: Uncertain significance for Immunodeficiency, common variable, 1. Last evaluated: 2018-01-12. Review status: criteria provided, single submitter. Criteria: ICSL Variant Classification Criteria 13 December 2019. Collection method: clinical testing. Allele origin: germline.

PreventionGenetics, part of Exact Sciences
Classification: Likely benign for ICOS-related condition. Last evaluated: 2019-08-21. Review status: no assertion criteria provided. Collection method: clinical testing. Allele origin: germline. Not counted in ClinVar's aggregate classification.
Comment: This variant is classified as likely benign based on ACMG/AMP sequence variant interpretation guidelines (Richards et al. 2015 PMID: 25741868, with internal and published modifications).